The following is an entry in ClinVar:

ClinVar aggregate classification (germline): Uncertain significance (1 of 4 stars; one submission).

Conditions:
Severe combined immunodeficiency due to DNA-PKcs deficiency. Also called: IMMUNODEFICIENCY 26 WITH NEUROLOGIC ABNORMALITIES; Immunodeficiency 26 with or without neurologic abnormalities. Identifiers: Orphanet 317425, MedGen C4014833, MONDO:0014423, OMIM 615966.

gnomAD v4.1: 1 of 1,601,988 alleles (0.000062%); highest among the groups gnomAD compares: Non-Finnish European, 0.000085%; no homozygotes.

Submission:

Labcorp Genetics (formerly Invitae), Labcorp
Classification: Uncertain significance for Severe combined immunodeficiency due to DNA-PKcs deficiency. Last evaluated: 2020-08-25. Review status: criteria provided, single submitter. Criteria: Invitae Variant Classification Sherloc (09022015). Collection method: clinical testing. Allele origin: germline.
Comment: This sequence change replaces histidine with leucine at codon 3850 of the PRKDC protein (p.His3850Leu). The histidine residue is weakly conserved and there is a moderate physicochemical difference between histidine and leucine. In summary, the available evidence is currently insufficient to determine the role of this variant in disease. Therefore, it has been classified as a Variant of Uncertain Significance. Experimental studies and prediction algorithms are not available or were not evaluated, and the functional significance of this variant is currently unknown. This variant has not been reported in the literature in individuals with PRKDC-related conditions. This variant is not present in population databases (ExAC no frequency).

NM_006904.7(PRKDC):c.11549A>T (p.His3850Leu)

Gene: PRKDC (protein kinase, DNA-activated, catalytic subunit; minus strand). Cytogenetic location: 8q11.21.
Variant type: single nucleotide variant.
Coding change: c.11549A>T on transcript NM_006904.7 (MANE Select); coding-DNA position 11549, A replaced by T.
Protein change: p.His3850Leu; replaces histidine 3850 with leucine.
Molecular consequence: missense variant.
Genome position (GRCh38, 1-based): chr8:47,779,034, T>A on the plus strand (A>T on the coding strand, the complement: PRKDC is on the minus strand). VCF-style: chr8-47779034-T-A. GRCh37 (hg19) VCF-style: chr8-48691595-T-A.
Other names: c.11456A>T, p.His3819Leu (NM_001081640.2); short protein forms H3819L, H3850L.
Identifiers: ClinVar variation 1057371 (VCV001057371.4), dbSNP rs751427948, ClinGen allele CA371129105.